The following is an entry in ClinVar:

NM_000063.6(C2):c.1748C>G (p.Pro583Arg)

Gene: C2 (complement C2; plus strand). Cytogenetic location: 6p21.33.
Variant type: single nucleotide variant.
Coding change: c.1748C>G on transcript NM_000063.6 (MANE Select); coding-DNA position 1748, C replaced by G.
Protein change: p.Pro583Arg; replaces proline 583 with arginine.
Molecular consequence: missense variant.
Genome position (GRCh38, 1-based): chr6:31,943,931, C>G. VCF-style: chr6-31943931-C-G. GRCh37 (hg19) VCF-style: chr6-31911708-C-G.
Other names: c.1352C>G, p.Pro451Arg (NM_001145903.3); c.1106C>G, p.Pro369Arg (NM_001178063.3); c.1010C>G, p.Pro337Arg (NM_001282457.2); c.1661C>G, p.Pro554Arg (NM_001282458.2); short protein forms P369R, P451R, P337R, P554R, P583R.
Identifiers: ClinVar variation 1485986 (VCV001485986.36), dbSNP rs1478487784, ClinGen allele CA363380474.

ClinVar aggregate classification (germline): Uncertain significance. Review status: criteria provided, multiple submitters, no conflicts (2 of 4 stars). 2 submissions from 2 submitters: Uncertain significance (2). Last evaluated 2022-07-01.

Allele frequency attached by ClinVar (database versions not stated): gnomAD 0.00001; gnomAD exomes 0.00001 and 0.00002.
gnomAD v4.1: 26 of 1,612,734 alleles (0.0016%); highest among the groups gnomAD compares: Non-Finnish European, 0.0021%; no homozygotes.

Submissions (2):

CeGaT Center for Human Genetics Tuebingen
Classification: Uncertain significance. Last evaluated: 2022-07-01. Review status: criteria provided, single submitter. Criteria: CeGaT Center For Human Genetics Tuebingen Variant Classification Criteria Version 2. Collection method: clinical testing. Allele origin: germline. Affected: yes. Observed: 1 variant allele.
Comment: C2: PM2, PM3, PP4

Labcorp Genetics (formerly Invitae), Labcorp
Classification: Uncertain significance. Last evaluated: 2022-06-20. Review status: criteria provided, single submitter. Criteria: Invitae Variant Classification Sherloc (09022015). Collection method: clinical testing. Allele origin: germline.
Comment: This sequence change replaces proline, which is neutral and non-polar, with arginine, which is basic and polar, at codon 583 of the C2 protein (p.Pro583Arg). This variant is present in population databases (no rsID available, gnomAD 0.002%). This variant has not been reported in the literature in individuals affected with C2-related conditions. Algorithms developed to predict the effect of missense changes on protein structure and function (SIFT, PolyPhen-2, Align-GVGD) all suggest that this variant is likely to be disruptive. In summary, the available evidence is currently insufficient to determine the role of this variant in disease. Therefore, it has been classified as a Variant of Uncertain Significance.